The following is an entry in ClinVar:

ClinVar aggregate classification (germline): Uncertain significance (1 of 4 stars; one submission).

Conditions:
Cardiovascular phenotype. Identifiers: MedGen CN230736.

Allele frequency attached by ClinVar (database versions not stated): gnomAD 0.00001.
gnomAD v4.1: 1 of 1,614,082 alleles (0.000062%); highest among the groups gnomAD compares: African/African-American, 0.0013%; no homozygotes.

Submission:

Ambry Genetics
Classification: Uncertain significance for Cardiovascular phenotype. Last evaluated: 2022-05-30. Review status: criteria provided, single submitter. Criteria: Ambry Variant Classification Scheme 2023. Collection method: clinical testing. Allele origin: germline.
Comment: The p.N506Y variant (also known as c.1516A>T), located in coding exon 12 of the ABCA1 gene, results from an A to T substitution at nucleotide position 1516. The asparagine at codon 506 is replaced by tyrosine, an amino acid with dissimilar properties. This amino acid position is conserved. In addition, this alteration is predicted to be deleterious by in silico analysis. Since supporting evidence is limited at this time, the clinical significance of this alteration remains unclear.

NM_005502.4(ABCA1):c.1516A>T (p.Asn506Tyr)

Gene: ABCA1 (ATP binding cassette subfamily A member 1; minus strand). Cytogenetic location: 9q31.1.
Variant type: single nucleotide variant.
Coding change: c.1516A>T on transcript NM_005502.4 (MANE Select); coding-DNA position 1516, A replaced by T.
Protein change: p.Asn506Tyr; replaces asparagine 506 with tyrosine.
Molecular consequence: missense variant.
Genome position (GRCh38, 1-based): chr9:104,831,821, T>A on the plus strand (A>T on the coding strand, the complement: ABCA1 is on the minus strand). VCF-style: chr9-104831821-T-A. GRCh37 (hg19) VCF-style: chr9-107594102-T-A.
Other names: short protein forms N506Y.
Identifiers: ClinVar variation 1774316 (VCV001774316.2), dbSNP rs1833354868, ClinGen allele CA374325242.